The following is an entry in ClinVar:

ClinVar aggregate classification (germline): Uncertain significance (1 of 4 stars; one submission).

Conditions:
Hyperphosphatasia with impaired intellectual development syndrome 2. Also called: Hyperphosphatasia with intellectual disability syndrome 2; GLYCOSYLPHOSPHATIDYLINOSITOL BIOSYNTHESIS DEFECT 6. Identifiers: Orphanet 247262, MedGen C3553637, MONDO:0013882, OMIM 614749.

Submission:

Labcorp Genetics (formerly Invitae), Labcorp
Classification: Uncertain significance for Hyperphosphatasia with impaired intellectual development syndrome 2. Last evaluated: 2022-04-20. Review status: criteria provided, single submitter. Criteria: Invitae Variant Classification Sherloc (09022015). Collection method: clinical testing. Allele origin: germline.
Comment: In summary, the available evidence is currently insufficient to determine the role of this variant in disease. Therefore, it has been classified as a Variant of Uncertain Significance. Algorithms developed to predict the effect of missense changes on protein structure and function (SIFT, PolyPhen-2, Align-GVGD) all suggest that this variant is likely to be disruptive. This variant has not been reported in the literature in individuals affected with PIGO-related conditions. This variant is not present in population databases (gnomAD no frequency). This sequence change replaces tryptophan, which is neutral and slightly polar, with arginine, which is basic and polar, at codon 443 of the PIGO protein (p.Trp443Arg).

NM_032634.4(PIGO):c.1327T>C (p.Trp443Arg)

Gene: PIGO (phosphatidylinositol glycan anchor biosynthesis class O; minus strand). Cytogenetic location: 9p13.3.
Variant type: single nucleotide variant.
Coding change: c.1327T>C on transcript NM_032634.4 (MANE Select); coding-DNA position 1327, T replaced by C.
Protein change: p.Trp443Arg; replaces tryptophan 443 with arginine.
Molecular consequence: missense variant.
Genome position (GRCh38, 1-based): chr9:35,092,560, A>G on the plus strand (T>C on the coding strand, the complement: PIGO is on the minus strand). VCF-style: chr9-35092560-A-G. GRCh37 (hg19) VCF-style: chr9-35092557-A-G.
Other names: c.1327T>C, p.Trp443Arg (NM_001201484.2, NM_152850.4); short protein forms W443R.
Identifiers: ClinVar variation 2111928 (VCV002111928.4), dbSNP rs2490456117, ClinGen allele CA373322338.